The following is an entry in ClinVar:

ClinVar aggregate classification (germline): Uncertain significance. Review status: criteria provided, multiple submitters, no conflicts (2 of 4 stars). 4 submissions from 4 submitters: Uncertain significance (4). Last evaluated 2025-09-30.

Conditions:
Inborn genetic diseases. Identifiers: MedGen C0950123, MeSH D030342.
Frontotemporal dementia and/or amyotrophic lateral sclerosis 1 (FTDALS1). Also called: C9orf72 Frontotemporal Dementia and/or Amyotrophic Lateral Sclerosis; Frontotemporal dementia with motor neuron disease 1. Identifiers: Orphanet 275872, MedGen C5779877, MONDO:0007105, OMIM 105550.
Paget disease of bone 2, early-onset (PDB2). Also called: Paget disease of bone 2. Identifiers: MedGen C4085251, MONDO:0011183, OMIM 602080.

Allele frequency attached by ClinVar (database versions not stated): TOPMed 0.00001; gnomAD 0.00002 and 0.00003; gnomAD exomes 0.00003 and 0.00005; ExAC 0.00004; 1000 Genomes Project 30x 0.00016; 1000 Genomes Project 0.00020.
gnomAD v4.1: 76 of 1,614,088 alleles (0.0047%); highest among the groups gnomAD compares: East Asian, 0.04%; no homozygotes.

Submissions (4):

Labcorp Genetics (formerly Invitae), Labcorp
Classification: Uncertain significance for Paget disease of bone 2, early-onset; Frontotemporal dementia and/or amyotrophic lateral sclerosis 1. Last evaluated: 2025-09-30. Review status: criteria provided, single submitter. Criteria: Invitae Variant Classification Sherloc (09022015). Collection method: clinical testing. Allele origin: germline.
Comment: This sequence change replaces valine, which is neutral and non-polar, with methionine, which is neutral and non-polar, at codon 90 of the SQSTM1 protein (p.Val90Met). This variant is present in population databases (rs181263868, gnomAD 0.01%). This missense change has been observed in individual(s) with frontotemporal lobar degeneration and late-onset amyotrophic lateral sclerosis (PMID: 23812289, 24899140). ClinVar contains an entry for this variant (Variation ID: 475399). Invitae Evidence Modeling of protein sequence and biophysical properties (such as structural, functional, and spatial information, amino acid conservation, physicochemical variation, residue mobility, and thermodynamic stability) indicates that this missense variant is not expected to disrupt SQSTM1 protein function with a negative predictive value of 80%. In summary, the available evidence is currently insufficient to determine the role of this variant in disease. Therefore, it has been classified as a Variant of Uncertain Significance.

Blueprint Genetics
Classification: Uncertain significance. Last evaluated: 2024-08-23. Review status: criteria provided, single submitter. Criteria: ACMG Guidelines, 2015. Collection method: clinical testing. Allele origin: germline.

Ambry Genetics
Classification: Uncertain significance for Inborn genetic diseases. Last evaluated: 2022-06-27. Review status: criteria provided, single submitter. Criteria: Ambry Variant Classification Scheme 2023. Collection method: clinical testing. Allele origin: germline.

GeneDx
Classification: Uncertain significance. Last evaluated: 2022-05-31. Review status: criteria provided, single submitter. Criteria: GeneDx Variant Classification Process June 2021. Collection method: clinical testing. Allele origin: germline. Affected: yes.
Comment: Reported in an individual with easrly-onset frontotemporal lobar degeneration in published literature (van der Zee J et al., 2014); Identified in trans with a second SQSTM1 variant in an individual with sporadic late-onset ALS (Shimizu H et al., 2013); In silico analysis supports that this missense variant does not alter protein structure/function; This variant is associated with the following publications: (PMID: 26234378, 24486447, 35240373, 32594029, 33319079, 24899140, 23812289)

Literature cited by the submitters: PubMed 23812289 (cited by Labcorp Genetics (formerly Invitae), Labcorp and Ambry Genetics); PubMed 24899140 (cited by Labcorp Genetics (formerly Invitae), Labcorp).

NM_003900.5(SQSTM1):c.268G>A (p.Val90Met)

Gene: SQSTM1 (sequestosome 1; plus strand). Cytogenetic location: 5q35.3.
Variant type: single nucleotide variant.
Coding change: c.268G>A on transcript NM_003900.5 (MANE Select); coding-DNA position 268, G replaced by A.
Protein change: p.Val90Met; replaces valine 90 with methionine.
Molecular consequence: missense variant.
Genome position (GRCh38, 1-based): chr5:179,823,020, G>A. VCF-style: chr5-179823020-G-A. GRCh37 (hg19) VCF-style: chr5-179250020-G-A.
Other names: c.16G>A, p.Val6Met (NM_001142298.2, NM_001142299.2); short protein forms V90M, V6M.
Identifiers: ClinVar variation 475399 (VCV000475399.12), dbSNP rs181263868, ClinGen allele CA3600434.